The following is an entry in ClinVar:

ClinVar aggregate classification (germline): Uncertain significance (1 of 4 stars; one submission).

Submission:

Ambry Genetics
Classification: Uncertain significance. Last evaluated: 2024-02-24. Review status: criteria provided, single submitter. Criteria: Ambry Variant Classification Scheme 2023. Collection method: clinical testing. Allele origin: germline.
Comment: The p.V1017D variant (also known as c.3050T>A), located in coding exon 4 of the ALPK2 gene, results from a T to A substitution at nucleotide position 3050. The valine at codon 1017 is replaced by aspartic acid, an amino acid with highly dissimilar properties. This amino acid position is conserved. In addition, this alteration is predicted to be tolerated by in silico analysis. Based on the available evidence, the clinical significance of this alteration remains unclear.

NM_052947.4(ALPK2):c.3050T>A (p.Val1017Asp)

Gene: ALPK2 (alpha kinase 2; minus strand). Cytogenetic location: 18q21.31.
Variant type: single nucleotide variant.
Coding change: c.3050T>A on transcript NM_052947.4 (MANE Select); coding-DNA position 3050, T replaced by A.
Protein change: p.Val1017Asp; replaces valine 1017 with aspartic acid.
Molecular consequence: missense variant.
Genome position (GRCh38, 1-based): chr18:58,537,137, A>T on the plus strand (T>A on the coding strand, the complement: ALPK2 is on the minus strand). VCF-style: chr18-58537137-A-T. GRCh37 (hg19) VCF-style: chr18-56204369-A-T.
Other names: short protein forms V1017D.
Identifiers: ClinVar variation 3228667 (VCV003228667.1), dbSNP rs956205978, ClinGen allele CA402569211.